The following is an entry in ClinVar:

ClinVar aggregate classification (germline): Uncertain significance (1 of 4 stars; one submission).

Conditions:
Seizures, benign familial infantile, 3 (BFIS3). Also called: CONVULSIONS, BENIGN FAMILIAL INFANTILE, 3; Familial neonatal seizures. Identifiers: Orphanet 140927, Orphanet 306, MedGen C1843140, MONDO:0011904, OMIM 607745.
Developmental and epileptic encephalopathy, 11 (DEE11). Also called: Early infantile epileptic encephalopathy 11. Identifiers: Orphanet 1934, MedGen C3150987, MONDO:0013388, OMIM 613721.

Allele frequency attached by ClinVar (database versions not stated): TOPMed 0.00001.

Submission:

Labcorp Genetics (formerly Invitae), Labcorp
Classification: Uncertain significance for Seizures, benign familial infantile, 3; Developmental and epileptic encephalopathy, 11. Last evaluated: 2024-04-15. Review status: criteria provided, single submitter. Criteria: Invitae Variant Classification Sherloc (09022015). Collection method: clinical testing. Allele origin: germline.
Comment: This sequence change replaces valine, which is neutral and non-polar, with isoleucine, which is neutral and non-polar, at codon 1287 of the SCN2A protein (p.Val1287Ile). This variant is not present in population databases (gnomAD no frequency). This variant has not been reported in the literature in individuals affected with SCN2A-related conditions. Advanced modeling of protein sequence and biophysical properties (such as structural, functional, and spatial information, amino acid conservation, physicochemical variation, residue mobility, and thermodynamic stability) performed at Invitae indicates that this missense variant is not expected to disrupt SCN2A protein function with a negative predictive value of 95%. In summary, the available evidence is currently insufficient to determine the role of this variant in disease. Therefore, it has been classified as a Variant of Uncertain Significance.

NM_001040142.2(SCN2A):c.3859G>A (p.Val1287Ile)

Gene: SCN2A (sodium voltage-gated channel alpha subunit 2; plus strand). Cytogenetic location: 2q24.3.
Variant type: single nucleotide variant.
Coding change: c.3859G>A on transcript NM_001040142.2 (MANE Select); coding-DNA position 3859, G replaced by A.
Protein change: p.Val1287Ile; replaces valine 1287 with isoleucine.
Molecular consequence: missense variant.
Genome position (GRCh38, 1-based): chr2:165,373,234, G>A. VCF-style: chr2-165373234-G-A. GRCh37 (hg19) VCF-style: chr2-166229744-G-A.
Other names: c.3859G>A, p.Val1287Ile (NM_001040143.2, NM_001371246.1, NM_001371247.1 and 1 more transcripts); short protein forms V1287I.
Identifiers: ClinVar variation 2934923 (VCV002934923.3), dbSNP rs1266407705, ClinGen allele CA349028748.